The following is an entry in ClinVar:

NM_032578.4(MYPN):c.3431A>G (p.Tyr1144Cys)

Gene: MYPN (myopalladin; plus strand). Cytogenetic location: 10q21.3.
Variant type: single nucleotide variant.
Coding change: c.3431A>G on transcript NM_032578.4 (MANE Select); coding-DNA position 3431, A replaced by G.
Protein change: p.Tyr1144Cys; replaces tyrosine 1144 with cysteine.
Molecular consequence: missense variant. On other transcripts: non-coding transcript variant (2).
Genome position (GRCh38, 1-based): chr10:68,199,513, A>G. VCF-style: chr10-68199513-A-G. GRCh37 (hg19) VCF-style: chr10-69959270-A-G.
Other names: c.3431A>G, p.Tyr1144Cys (NM_001256267.2); c.2549A>G, p.Tyr850Cys (NM_001256268.2); c.3431A>G (NM_032578.2); short protein forms Y1144C, Y850C.
Identifiers: ClinVar variation 647658 (VCV000647658.7), dbSNP rs1589612099, ClinGen allele CA376859307.
Genomic context (GRCh38, chr10:68,199,513, plus strand): 5'-GGGAGACCGGAGTCCACTCTCTGCTCATTGACCCACTCACTCAGCGCGACGCAGGGACCT[A>G]TAAGTGCATCGCTACCAACAAAACCGGGCAGAATTCTTTTAGTCTGGAGCTCTCTGTAGT-3'
Protein context (NP_115967.2, residues 1134-1154): DPLTQRDAGT[Tyr1144Cys]KCIATNKTGQ

ClinVar aggregate classification (germline): Uncertain significance. Review status: criteria provided, multiple submitters, no conflicts (2 of 4 stars). 2 submissions from 2 submitters: Uncertain significance (2). Last evaluated 2023-03-13.

Conditions:
Cardiovascular phenotype. Identifiers: MedGen CN230736.
Dilated cardiomyopathy 1KK (CMD1KK). Identifiers: Orphanet 154, Orphanet 75249, MedGen C3714995, MONDO:0014100, OMIM 615248.

Submissions (2):

Ambry Genetics
Classification: Uncertain significance for Cardiovascular phenotype. Last evaluated: 2023-03-13. Review status: criteria provided, single submitter. Criteria: Ambry Variant Classification Scheme 2023. Collection method: clinical testing. Allele origin: germline.
Comment: The p.Y1144C variant (also known as c.3431A>G), located in coding exon 16 of the MYPN gene, results from an A to G substitution at nucleotide position 3431. The tyrosine at codon 1144 is replaced by cysteine, an amino acid with highly dissimilar properties. This amino acid position is highly conserved in available vertebrate species. In addition, this alteration is predicted to be deleterious by in silico analysis. Since supporting evidence is limited at this time, the clinical significance of this alteration remains unclear.

Labcorp Genetics (formerly Invitae), Labcorp
Classification: Uncertain significance for Dilated cardiomyopathy 1KK. Last evaluated: 2021-08-26. Review status: criteria provided, single submitter. Criteria: Invitae Variant Classification Sherloc (09022015). Collection method: clinical testing. Allele origin: germline.
Comment: This sequence change replaces tyrosine with cysteine at codon 1144 of the MYPN protein (p.Tyr1144Cys). The tyrosine residue is highly conserved and there is a large physicochemical difference between tyrosine and cysteine. This variant is not present in population databases (ExAC no frequency). This variant has not been reported in the literature in individuals affected with MYPN-related conditions. Algorithms developed to predict the effect of missense changes on protein structure and function are either unavailable or do not agree on the potential impact of this missense change (SIFT: "Deleterious"; PolyPhen-2: "Probably Damaging"; Align-GVGD: "Class C0"). Algorithms developed to predict the effect of sequence changes on RNA splicing suggest that this variant may create or strengthen a splice site. In summary, the available evidence is currently insufficient to determine the role of this variant in disease. Therefore, it has been classified as a Variant of Uncertain Significance.